The following is an entry in ClinVar:

ClinVar aggregate classification (germline): Uncertain significance. Review status: criteria provided, multiple submitters, no conflicts (2 of 4 stars). 3 submissions from 3 submitters: Uncertain significance (3). Last evaluated 2023-01-04.

Conditions:
Inborn genetic diseases. Identifiers: MedGen C0950123, MeSH D030342.

Allele frequency attached by ClinVar (database versions not stated): ExAC 0.00005.
gnomAD v4.1: 19 of 1,551,580 alleles (0.0012%); highest among the groups gnomAD compares: Admixed American, 0.0059%; no homozygotes.

Submissions (3):

Blueprint Genetics
Classification: Uncertain significance. Last evaluated: 2023-01-04. Review status: criteria provided, single submitter. Criteria: ACMG Guidelines, 2015. Collection method: clinical testing. Allele origin: germline.

Ambry Genetics
Classification: Uncertain significance for Inborn genetic diseases. Last evaluated: 2022-10-26. Review status: criteria provided, single submitter. Criteria: Ambry Variant Classification Scheme 2023. Collection method: clinical testing. Allele origin: germline.

Labcorp Genetics (formerly Invitae), Labcorp
Classification: Uncertain significance. Last evaluated: 2022-09-01. Review status: criteria provided, single submitter. Criteria: Invitae Variant Classification Sherloc (09022015). Collection method: clinical testing. Allele origin: germline.
Comment: This variant has not been reported in the literature in individuals affected with LRIT3-related conditions. In summary, the available evidence is currently insufficient to determine the role of this variant in disease. Therefore, it has been classified as a Variant of Uncertain Significance. Algorithms developed to predict the effect of missense changes on protein structure and function are either unavailable or do not agree on the potential impact of this missense change (SIFT: "Deleterious"; PolyPhen-2: "Probably Damaging"; Align-GVGD: "Class C0"). ClinVar contains an entry for this variant (Variation ID: 1483444). This variant is present in population databases (rs756641450, gnomAD 0.008%). This sequence change replaces valine, which is neutral and non-polar, with methionine, which is neutral and non-polar, at codon 57 of the LRIT3 protein (p.Val57Met).

NM_198506.5(LRIT3):c.169G>A (p.Val57Met)

Gene: LRIT3 (leucine rich repeat, Ig-like and transmembrane domains 3; plus strand). Cytogenetic location: 4q25.
Variant type: single nucleotide variant.
Coding change: c.169G>A on transcript NM_198506.5 (MANE Select); coding-DNA position 169, G replaced by A.
Protein change: p.Val57Met; replaces valine 57 with methionine.
Molecular consequence: missense variant.
Genome position (GRCh38, 1-based): chr4:109,851,556, G>A. VCF-style: chr4-109851556-G-A. GRCh37 (hg19) VCF-style: chr4-110772712-G-A.
Other names: c.34G>A (NM_198506.2); short protein forms V57M.
Identifiers: ClinVar variation 1483444 (VCV001483444.8), dbSNP rs756641450, ClinGen allele CA3042974.
Genomic context (GRCh38, chr4:109,851,556, plus strand): 5'-GACACTAGGTTGGTGCTATGTAATGACATGGATATGAACGAGCTGCCTACGAACCTCCCC[G>A]TGGACACTGTGAAGCTTCGCATAGAGAAGACTGTCATCCGCAGAATCTCTGCGGAGGCCT-3'
Protein context (NP_940908.3, residues 47-67): DMNELPTNLP[Val57Met]DTVKLRIEKT